The following is an entry in ClinVar:

NM_001077415.3(CRELD1):c.1080A>G (p.Glu360=)

Gene: CRELD1 (cysteine rich with EGF like domains 1; plus strand). Cytogenetic location: 3p25.3.
Variant type: single nucleotide variant.
Coding change: c.1080A>G on transcript NM_001077415.3 (MANE Select); coding-DNA position 1080, A replaced by G.
Protein change: p.Glu360=; no amino-acid change (glutamic acid 360 retained).
Molecular consequence: synonymous variant. On other transcripts: 3 prime UTR variant (4), non-coding transcript variant (3).
Genome position (GRCh38, 1-based): chr3:9,944,396, A>G. VCF-style: chr3-9944396-A-G. GRCh37 (hg19) VCF-style: chr3-9986080-A-G.
Other names: c.*5A>G (NM_001031717.4, NM_001374317.1, NM_001374318.1); c.1080A>G, p.Glu360= (NM_001374316.1, NM_015513.6); c.996A>G, p.Glu332= (NM_001374319.1, NM_001374320.1); c.*645A>G (NM_001410713.1).
Identifiers: ClinVar variation 3032730 (VCV003032730.2), dbSNP rs201194201, ClinGen allele CA2247989.

ClinVar aggregate classification (germline): Likely benign (0 of 4 stars; one submission).

Conditions:
CRELD1-related disorder. Also called: CRELD1-related condition.

Allele frequency attached by ClinVar (database versions not stated): ESP Exome Variant Server 0.00015; gnomAD 0.00025; TOPMed 0.00029; ExAC 0.00038; 1000 Genomes Project 30x 0.00094; 1000 Genomes Project 0.00120.
gnomAD v4.1: 235 of 1,614,152 alleles (0.015%); highest among the groups gnomAD compares: South Asian, 0.12%; 2 homozygotes.

Submission:

PreventionGenetics, part of Exact Sciences
Classification: Likely benign for CRELD1-related condition. Last evaluated: 2022-04-08. Review status: no assertion criteria provided. Collection method: clinical testing. Allele origin: germline.
Comment: This variant is classified as likely benign based on ACMG/AMP sequence variant interpretation guidelines (Richards et al. 2015 PMID: 25741868, with internal and published modifications).